The following is an entry in ClinVar:

ClinVar aggregate classification (germline): Uncertain significance (1 of 4 stars; one submission).

Conditions:
Primary open angle glaucoma (POAG). Also called: OPTN-related open angle glaucoma. Identifiers: MedGen C0339573, MONDO:0100553, OMIM 137760.
Amyotrophic lateral sclerosis type 12 (ALS12). Also called: AMYOTROPHIC LATERAL SCLEROSIS 12 WITH OR WITHOUT FRONTOTEMPORAL DEMENTIA. Identifiers: Orphanet 803, MedGen C3150692, MONDO:0013264, OMIM 613435.
Glaucoma 1, open angle, E. Identifiers: MedGen C1842026, MONDO:0007665.

Allele frequency attached by ClinVar (database versions not stated): gnomAD exomes below 0.00001.
gnomAD v4.1: 3 of 1,603,882 alleles (0.00019%); highest among the groups gnomAD compares: East Asian, 0.0067%; no homozygotes.

Submission:

Labcorp Genetics (formerly Invitae), Labcorp
Classification: Uncertain significance for Primary open angle glaucoma; Glaucoma 1, open angle, E; Amyotrophic lateral sclerosis type 12. Last evaluated: 2025-12-09. Review status: criteria provided, single submitter. Criteria: Invitae Variant Classification Sherloc (09022015). Collection method: clinical testing. Allele origin: germline.
Comment: This sequence change replaces arginine, which is basic and polar, with glycine, which is neutral and non-polar, at codon 329 of the OPTN protein (p.Arg329Gly). The frequency data for this variant in the population databases is considered unreliable, as metrics indicate poor data quality at this position in the gnomAD database. This missense change has been observed in individual(s) with primary open angle glaucoma (PMID: 29540704). ClinVar contains an entry for this variant (Variation ID: 1404228). Invitae Evidence Modeling of protein sequence and biophysical properties (such as structural, functional, and spatial information, amino acid conservation, physicochemical variation, residue mobility, and thermodynamic stability) indicates that this missense variant is not expected to disrupt OPTN protein function with a negative predictive value of 80%. In summary, the available evidence is currently insufficient to determine the role of this variant in disease. Therefore, it has been classified as a Variant of Uncertain Significance.

Literature cited by the submitters: PubMed 29540704.

NM_001008212.2(OPTN):c.985A>G (p.Arg329Gly)

Gene: OPTN (optineurin; plus strand). Cytogenetic location: 10p13.
Variant type: single nucleotide variant.
Coding change: c.985A>G on transcript NM_001008212.2 (MANE Select); coding-DNA position 985, A replaced by G.
Protein change: p.Arg329Gly; replaces arginine 329 with glycine.
Molecular consequence: missense variant.
Genome position (GRCh38, 1-based): chr10:13,124,097, A>G. VCF-style: chr10-13124097-A-G. GRCh37 (hg19) VCF-style: chr10-13166097-A-G.
Other names: c.985A>G, p.Arg329Gly (NM_001008211.1, NM_001008213.1, NM_021980.4); short protein forms R329G.
Identifiers: ClinVar variation 1404228 (VCV001404228.10), dbSNP rs1564364468, ClinGen allele CA376029143.